The following is an entry in ClinVar:

NM_001848.3(COL6A1):c.328C>G (p.Arg110Gly)

Gene: COL6A1 (collagen type VI alpha 1 chain; plus strand). Cytogenetic location: 21q22.3.
Variant type: single nucleotide variant.
Coding change: c.328C>G on transcript NM_001848.3 (MANE Select); coding-DNA position 328, C replaced by G.
Protein change: p.Arg110Gly; replaces arginine 110 with glycine.
Molecular consequence: missense variant.
Genome position (GRCh38, 1-based): chr21:45,984,369, C>G. VCF-style: chr21-45984369-C-G. GRCh37 (hg19) VCF-style: chr21-47404283-C-G.
Other names: short protein forms R110G.
Identifiers: ClinVar variation 391655 (VCV000391655.2), dbSNP rs757632221, ClinGen allele CA16609071.
Genomic context (GRCh38, chr21:45,984,369, plus strand): 5'-GCGCTGCACTACAGTGACGAGGTGGAGATCATCCAAGGCCTCACGCGCATGCCTGGCGGC[C>G]GCGACGCACTCAAAAGCAGCGTGGACGCGGTCAAGTACTTTGGGAAGGGCACCTACACCG-3'
Protein context (NP_001839.2, residues 100-120): IQGLTRMPGG[Arg110Gly]DALKSSVDAV

ClinVar aggregate classification (germline): Uncertain significance (1 of 4 stars; one submission).

gnomAD v4.1: 1 of 1,612,638 alleles (0.000062%); highest among the groups gnomAD compares: Non-Finnish European, 0.000085%; no homozygotes.

Submission:

GeneDx
Classification: Uncertain significance. Last evaluated: 2016-12-23. Review status: criteria provided, single submitter. Criteria: GeneDx Variant Classification (06012015). Collection method: clinical testing. Allele origin: germline. Affected: yes.
Comment: The R110G variant in the COL6A1 gene has not been reported previously as a pathogenic variant, nor as a benign variant, to our knowledge. The R110G variant was not observed in approximately 6,500 individuals of European and African American ancestry in the NHLBI Exome Sequencing Project, indicating it is not a common benign variant in these populations. The R110G variant is a non-conservative amino acid substitution, which is likely to impact secondary protein structure as these residues differ in polarity, charge, size and/or other properties. This substitution occurs at a position that is conserved in mammals. In silico analysis is inconsistent in its predictions as to whether or not the variant is damaging to the protein structure/function. We interpret R110G as a variant of uncertain significance.